The following is an entry in ClinVar:

NM_000540.3(RYR1):c.15074C>G (p.Ala5025Gly)

Gene: RYR1 (ryanodine receptor 1; plus strand). Cytogenetic location: 19q13.2.
Variant type: single nucleotide variant.
Coding change: c.15074C>G on transcript NM_000540.3 (MANE Select); coding-DNA position 15074, C replaced by G.
Protein change: p.Ala5025Gly; replaces alanine 5025 with glycine.
Molecular consequence: missense variant.
Genome position (GRCh38, 1-based): chr19:38,587,377, C>G. VCF-style: chr19-38587377-C-G. GRCh37 (hg19) VCF-style: chr19-39078017-C-G.
Other names: c.15059C>G, p.Ala5020Gly (NM_001042723.2); short protein forms A5020G, A5025G.
Identifiers: ClinVar variation 1390734 (VCV001390734.6), dbSNP rs2145922134, ClinGen allele CA405694328.

ClinVar aggregate classification (germline): Uncertain significance (1 of 4 stars; one submission).

Conditions:
RYR1-related disorder. Also called: RYR1-related condition; RYR1-related disorders. Identifiers: MedGen CN239331.

Allele frequency attached by ClinVar (database versions not stated): gnomAD exomes below 0.00001.
gnomAD v4.1: 1 of 1,613,990 alleles (0.000062%); highest among the groups gnomAD compares: Non-Finnish European, 0.000085%; no homozygotes.

Submission:

Labcorp Genetics (formerly Invitae), Labcorp
Classification: Uncertain significance for RYR1-related disorder. Last evaluated: 2022-03-24. Review status: criteria provided, single submitter. Criteria: Invitae Variant Classification Sherloc (09022015). Collection method: clinical testing. Allele origin: germline.
Comment: In summary, the available evidence is currently insufficient to determine the role of this variant in disease. Therefore, it has been classified as a Variant of Uncertain Significance. Algorithms developed to predict the effect of sequence changes on RNA splicing suggest that this variant may create or strengthen a splice site. Algorithms developed to predict the effect of missense changes on protein structure and function are either unavailable or do not agree on the potential impact of this missense change (SIFT: "Deleterious"; PolyPhen-2: "Not Available"; Align-GVGD: "Class C0"). This variant has not been reported in the literature in individuals affected with RYR1-related conditions. This variant is not present in population databases (gnomAD no frequency). This sequence change replaces alanine, which is neutral and non-polar, with glycine, which is neutral and non-polar, at codon 5025 of the RYR1 protein (p.Ala5025Gly).